The following is an entry in ClinVar:

ClinVar aggregate classification (germline): Uncertain significance. Review status: criteria provided, multiple submitters, no conflicts (2 of 4 stars). 2 submissions from 2 submitters: Uncertain significance (2). Last evaluated 2026-01-28.

Conditions:
Inborn genetic diseases. Identifiers: MedGen C0950123, MeSH D030342.

Allele frequency attached by ClinVar (database versions not stated): gnomAD exomes below 0.00001; gnomAD 0.00001; TOPMed 0.00002.
gnomAD v4.1: 6 of 1,485,392 alleles (0.0004%); highest among the groups gnomAD compares: African/African-American, 0.0043%; no homozygotes.

Submissions (2):

Labcorp Genetics (formerly Invitae), Labcorp
Classification: Uncertain significance. Last evaluated: 2026-01-28. Review status: criteria provided, single submitter. Criteria: Invitae Variant Classification Sherloc (09022015). Collection method: clinical testing. Allele origin: germline.
Comment: This sequence change replaces arginine, which is basic and polar, with glutamine, which is neutral and polar, at codon 3 of the CDH2 protein (p.Arg3Gln). This variant is not present in population databases (gnomAD no frequency). This variant has not been reported in the literature in individuals affected with CDH2-related conditions. ClinVar contains an entry for this variant (Variation ID: 1511636). An algorithm developed to predict the effect of missense changes on protein structure and function (PolyPhen-2) suggests that this variant is likely to be tolerated. In summary, the available evidence is currently insufficient to determine the role of this variant in disease. Therefore, it has been classified as a Variant of Uncertain Significance.

Ambry Genetics
Classification: Uncertain significance for Inborn genetic diseases. Last evaluated: 2024-12-31. Review status: criteria provided, single submitter. Criteria: Ambry Variant Classification Scheme 2023. Collection method: clinical testing. Allele origin: germline.

NM_001792.5(CDH2):c.8G>A (p.Arg3Gln)

Gene: CDH2 (cadherin 2; minus strand). Cytogenetic location: 18q12.1.
Variant type: single nucleotide variant.
Coding change: c.8G>A on transcript NM_001792.5 (MANE Select); coding-DNA position 8, G replaced by A.
Protein change: p.Arg3Gln; replaces arginine 3 with glutamine.
Molecular consequence: missense variant.
Genome position (GRCh38, 1-based): chr18:28,177,015, C>T on the plus strand (G>A on the coding strand, the complement: CDH2 is on the minus strand). VCF-style: chr18-28177015-C-T. GRCh37 (hg19) VCF-style: chr18-25756979-C-T.
Other names: short protein forms R3Q.
Identifiers: ClinVar variation 1511636 (VCV001511636.9), dbSNP rs1323181717, ClinGen allele CA402245147.
Genomic context (GRCh38, chr18:28,177,015, plus strand): 5'-CCGCGTACCTGAAGCAGGGCCGCCAGCAGCGGCAGCAGGGTCCGCAGCGCTCCCGCTATC[C>T]GGCACATGGAGGCGGAGAGGGGCCGAGCGAAGAGCCGGAGGAGGCGGCGGCGGCGGCGGC-3'
Protein context (NP_001783.2, residues 1-13): MC[Arg3Gln]IAGALRTLLP